The following is an entry in ClinVar:

NM_000057.4(BLM):c.2362C>G (p.Leu788Val)

Gene: BLM (BLM RecQ like helicase; plus strand). Cytogenetic location: 15q26.1.
Variant type: single nucleotide variant.
Coding change: c.2362C>G on transcript NM_000057.4 (MANE Select); coding-DNA position 2362, C replaced by G.
Protein change: p.Leu788Val; replaces leucine 788 with valine.
Molecular consequence: missense variant.
Genome position (GRCh38, 1-based): chr15:90,769,187, C>G. VCF-style: chr15-90769187-C-G. GRCh37 (hg19) VCF-style: chr15-91312417-C-G.
Other names: c.2362C>G, p.Leu788Val (NM_001287246.2, NM_001287247.2); c.1237C>G, p.Leu413Val (NM_001287248.2); short protein forms L788V, L413V.
Identifiers: ClinVar variation 584889 (VCV000584889.7), dbSNP rs149754073, ClinGen allele CA393845139.
Genomic context (GRCh38, chr15:90,769,187, plus strand): 5'-GCCTAGATCTGTGCAAGTAACAGACTCATTTCTACTCTGGAGAATCTCTATGAGAGGAAG[C>G]TCTTGGCACGTTTTGTTATTGATGAAGCACATTGTGTCAGTCAGGTAAATACTGTTTTTT-3'
Protein context (NP_000048.1, residues 778-798): STLENLYERK[Leu788Val]LARFVIDEAH

ClinVar aggregate classification (germline): Uncertain significance. Review status: criteria provided, multiple submitters, no conflicts (2 of 4 stars). 2 submissions from 2 submitters: Uncertain significance (2). Last evaluated 2025-10-13.

Conditions:
Bloom syndrome (BLM). Also called: Bloom-Torre-Machacek syndrome. Identifiers: Orphanet 125, MedGen C0005859, MONDO:0008876, OMIM 210900.

Submissions (2):

Labcorp Genetics (formerly Invitae), Labcorp
Classification: Uncertain significance for Bloom syndrome. Last evaluated: 2025-10-13. Review status: criteria provided, single submitter. Criteria: Invitae Variant Classification Sherloc (09022015). Collection method: clinical testing. Allele origin: germline.
Comment: This sequence change replaces leucine, which is neutral and non-polar, with valine, which is neutral and non-polar, at codon 788 of the BLM protein (p.Leu788Val). This variant is not present in population databases (gnomAD no frequency). This variant has not been reported in the literature in individuals affected with BLM-related conditions. ClinVar contains an entry for this variant (Variation ID: 584889). Invitae Evidence Modeling of protein sequence and biophysical properties (such as structural, functional, and spatial information, amino acid conservation, physicochemical variation, residue mobility, and thermodynamic stability) has been performed for this missense variant. However, the output from this modeling did not meet the statistical confidence thresholds required to predict the impact of this variant on BLM protein function. In summary, the available evidence is currently insufficient to determine the role of this variant in disease. Therefore, it has been classified as a Variant of Uncertain Significance.

Mendelics
Classification: Uncertain significance for Bloom syndrome. Last evaluated: 2018-07-02. Review status: criteria provided, single submitter. Criteria: Mendelics Assertion Criteria 2017. Collection method: clinical testing. Allele origin: unknown.